The following is an entry in ClinVar:

ClinVar aggregate classification (germline): Uncertain significance (1 of 4 stars; one submission).

Conditions:
Carnitine acylcarnitine translocase deficiency (CACTD). Identifiers: Orphanet 159, MedGen C0342791, MONDO:0008918, OMIM 212138.

Allele frequency attached by ClinVar (database versions not stated): gnomAD exomes 0.00001; TOPMed 0.00002.
gnomAD v4.1: 3 of 1,613,634 alleles (0.00019%); highest among the groups gnomAD compares: Admixed American, 0.0033%; no homozygotes.

Submission:

Labcorp Genetics (formerly Invitae), Labcorp
Classification: Uncertain significance for Carnitine acylcarnitine translocase deficiency. Last evaluated: 2025-05-11. Review status: criteria provided, single submitter. Criteria: Invitae Variant Classification Sherloc (09022015). Collection method: clinical testing. Allele origin: germline.
Comment: This sequence change replaces proline, which is neutral and non-polar, with leucine, which is neutral and non-polar, at codon 230 of the SLC25A20 protein (p.Pro230Leu). This variant is present in population databases (no rsID available, gnomAD 0.006%). This variant has not been reported in the literature in individuals affected with SLC25A20-related conditions. ClinVar contains an entry for this variant (Variation ID: 646646). Invitae Evidence Modeling of protein sequence and biophysical properties (such as structural, functional, and spatial information, amino acid conservation, physicochemical variation, residue mobility, and thermodynamic stability) indicates that this missense variant is not expected to disrupt SLC25A20 protein function with a negative predictive value of 80%. This variant disrupts the p.Pro230 amino acid residue in SLC25A20. Other variant(s) that disrupt this residue have been determined to be pathogenic (PMID: 12559850, 37115522). This suggests that this residue is clinically significant, and that variants that disrupt this residue are likely to be disease-causing. In summary, the available evidence is currently insufficient to determine the role of this variant in disease. Therefore, it has been classified as a Variant of Uncertain Significance.

Literature cited by the submitters: PubMed 12559850; PubMed 37115522.

NM_000387.6(SLC25A20):c.689C>T (p.Pro230Leu)

Gene: SLC25A20 (solute carrier family 25 member 20; minus strand). Cytogenetic location: 3p21.31.
Variant type: single nucleotide variant.
Coding change: c.689C>T on transcript NM_000387.6 (MANE Select); coding-DNA position 689, C replaced by T.
Protein change: p.Pro230Leu; replaces proline 230 with leucine.
Molecular consequence: missense variant.
Genome position (GRCh38, 1-based): chr3:48,859,121, G>A on the plus strand (C>T on the coding strand, the complement: SLC25A20 is on the minus strand). VCF-style: chr3-48859121-G-A. GRCh37 (hg19) VCF-style: chr3-48896554-G-A.
Other names: short protein forms P230L.
Identifiers: ClinVar variation 646646 (VCV000646646.4), dbSNP rs1327726845, ClinGen allele CA352626240.